The following is an entry in ClinVar:

NM_000257.4(MYH7):c.4806C>A (p.Asp1602Glu)

Genes: MHRT (myosin heavy chain associated RNA transcript; plus strand), MYH7 (myosin heavy chain 7; minus strand), LOC126861897 (BRD4-independent group 4 enhancer GRCh37_chr14:23884455-23885654; plus strand). Cytogenetic location: 14q11.2.
Variant type: single nucleotide variant.
Coding change: c.4806C>A on transcript NM_000257.4 (MANE Select); coding-DNA position 4806, C replaced by A.
Protein change: p.Asp1602Glu; replaces aspartic acid 1602 with glutamic acid.
Molecular consequence: missense variant. On other transcripts: non-coding transcript variant (1).
Genome position (GRCh38, 1-based): chr14:23,416,151, G>T on the plus strand (C>A on the coding strand, the complement: MYH7 is on the minus strand). VCF-style: chr14-23416151-G-T. GRCh37 (hg19) VCF-style: chr14-23885360-G-T.
Other names: c.4806C>A, p.Asp1602Glu (NM_001407004.1); short protein forms D1602E.
Identifiers: ClinVar variation 3070409 (VCV003070409.1), dbSNP rs142034311, ClinGen allele CA389037596.

ClinVar aggregate classification (germline): Uncertain significance (1 of 4 stars; one submission).

Conditions:
Cardiomyopathy (CMYO). Also called: Cardiomyopathies. Identifiers: Orphanet 167848, MedGen C0878544, MONDO:0004994, HP:0001638. Inheritance: Various modes of inheritance.

gnomAD v4.1: 1 of 1,611,104 alleles (0.000062%); highest among the groups gnomAD compares: Non-Finnish European, 0.000085%; no homozygotes.

Submission:

All of Us Research Program, National Institutes of Health
Classification: Uncertain significance for Cardiomyopathy. Last evaluated: 2023-04-10. Review status: criteria provided, single submitter. Criteria: ACMG Guidelines, 2015. Collection method: clinical testing. Allele origin: germline. Inheritance: Autosomal dominant inheritance. Observed: 1 variant allele, 1 heterozygote.
Comment: This missense variant replaces aspartic acid with glutamic acid at codon 1602 of the MYH7 protein. Computational prediction suggests that this variant may not impact protein structure and function (internally defined REVEL score threshold <= 0.5, PMID: 27666373). To our knowledge, functional studies have not been reported for this variant. This variant has not been reported in individuals affected with MYH7-related disorders in the literature. This variant has not been identified in the general population by the Genome Aggregation Database (gnomAD). The available evidence is insufficient to determine the role of this variant in disease conclusively. Therefore, this variant is classified as a Variant of Uncertain Significance.

This study involves interpretation of variants in research participants for the purpose of population health screening. Participant phenotype was not available at the time of variant classification. Additional details can be found in publication PMID: 35346344, PMCID: PMC8962531